The following is an entry in ClinVar:

ClinVar aggregate classification (germline): Uncertain significance. Review status: criteria provided, multiple submitters, no conflicts (2 of 4 stars). 2 submissions from 2 submitters: Uncertain significance (2). Last evaluated 2025-12-08.

Conditions:
Hereditary cancer-predisposing syndrome. Also called: Hereditary neoplastic syndrome; Neoplastic Syndromes, Hereditary; Tumor predisposition; Hereditary Cancer Syndrome. Identifiers: Orphanet 140162, MedGen C0027672, MeSH D009386, MONDO:0015356.
Fanconi anemia complementation group J. Also called: BRIP1-Related Fanconi Anemia. Identifiers: Orphanet 84, MedGen C1836860, MONDO:0012187, OMIM 609054.
Familial cancer of breast. Also called: hereditary breast carcinoma; BREAST CANCER, FAMILIAL; Hereditary breast cancer. Identifiers: Orphanet 227535, MedGen C0346153, MONDO:0016419, OMIM 114480. Disease mechanism: loss of function.

Allele frequency attached by ClinVar (database versions not stated): gnomAD 0.00001.
gnomAD v4.1: 1 of 1,608,918 alleles (0.000062%); highest among the groups gnomAD compares: African/African-American, 0.0013%; no homozygotes.

Submissions (2):

Labcorp Genetics (formerly Invitae), Labcorp
Classification: Uncertain significance for Familial cancer of breast; Fanconi anemia complementation group J. Last evaluated: 2025-12-08. Review status: criteria provided, single submitter. Criteria: Invitae Variant Classification Sherloc (09022015). Collection method: clinical testing. Allele origin: germline.
Comment: This sequence change replaces tryptophan, which is neutral and slightly polar, with arginine, which is basic and polar, at codon 816 of the BRIP1 protein (p.Trp816Arg). This variant is not present in population databases (gnomAD no frequency). This variant has not been reported in the literature in individuals affected with BRIP1-related conditions. ClinVar contains an entry for this variant (Variation ID: 1967043). Invitae Evidence Modeling of protein sequence and biophysical properties (such as structural, functional, and spatial information, amino acid conservation, physicochemical variation, residue mobility, and thermodynamic stability) indicates that this missense variant is expected to disrupt BRIP1 protein function with a positive predictive value of 95%. In summary, the available evidence is currently insufficient to determine the role of this variant in disease. Therefore, it has been classified as a Variant of Uncertain Significance.

Ambry Genetics
Classification: Uncertain significance for Hereditary cancer-predisposing syndrome. Last evaluated: 2024-04-14. Review status: criteria provided, single submitter. Criteria: Ambry Variant Classification Scheme 2023. Collection method: clinical testing. Allele origin: germline.
Comment: The p.W816R variant (also known as c.2446T>C), located in coding exon 16 of the BRIP1 gene, results from a T to C substitution at nucleotide position 2446. The tryptophan at codon 816 is replaced by arginine, an amino acid with dissimilar properties. This amino acid position is conserved. In addition, this alteration is predicted to be deleterious by in silico analysis. Based on the available evidence, the clinical significance of this variant remains unclear.

NM_032043.3(BRIP1):c.2446T>C (p.Trp816Arg)

Gene: BRIP1 (BRCA1 interacting DNA helicase 1; minus strand). Cytogenetic location: 17q23.2.
Variant type: single nucleotide variant.
Coding change: c.2446T>C on transcript NM_032043.3 (MANE Select); coding-DNA position 2446, T replaced by C.
Protein change: p.Trp816Arg; replaces tryptophan 816 with arginine.
Molecular consequence: missense variant.
Genome position (GRCh38, 1-based): chr17:61,715,997, A>G on the plus strand (T>C on the coding strand, the complement: BRIP1 is on the minus strand). VCF-style: chr17-61715997-A-G. GRCh37 (hg19) VCF-style: chr17-59793358-A-G.
Other names: short protein forms W816R.
Identifiers: ClinVar variation 1967043 (VCV001967043.6), dbSNP rs1338241931, ClinGen allele CA400479583.